The following is an entry in ClinVar:

NM_003839.4(TNFRSF11A):c.373G>C (p.Glu125Gln)

Gene: TNFRSF11A (TNF receptor superfamily member 11a; plus strand). Cytogenetic location: 18q21.33.
Variant type: single nucleotide variant.
Coding change: c.373G>C on transcript NM_003839.4 (MANE Select); coding-DNA position 373, G replaced by C.
Protein change: p.Glu125Gln; replaces glutamic acid 125 with glutamine.
Molecular consequence: missense variant.
Genome position (GRCh38, 1-based): chr18:62,354,480, G>C. VCF-style: chr18-62354480-G-C. GRCh37 (hg19) VCF-style: chr18-60021713-G-C.
Other names: c.373G>C, p.Glu125Gln (NM_001270949.2, NM_001270950.2, NM_001270951.2 and 1 more transcripts); short protein forms E125Q.
Identifiers: ClinVar variation 2705349 (VCV002705349.3), dbSNP rs1909095852, ClinGen allele CA402612299.

ClinVar aggregate classification (germline): Uncertain significance (1 of 4 stars; one submission).

Allele frequency attached by ClinVar (database versions not stated): TOPMed below 0.00001.
gnomAD v4.1: 2 of 1,601,712 alleles (0.00012%); highest among the groups gnomAD compares: Non-Finnish European, 0.00017%; no homozygotes.

Submission:

Labcorp Genetics (formerly Invitae), Labcorp
Classification: Uncertain significance. Last evaluated: 2023-12-25. Review status: criteria provided, single submitter. Criteria: Invitae Variant Classification Sherloc (09022015). Collection method: clinical testing. Allele origin: germline.
Comment: This sequence change replaces glutamic acid, which is acidic and polar, with glutamine, which is neutral and polar, at codon 125 of the TNFRSF11A protein (p.Glu125Gln). This variant is not present in population databases (gnomAD no frequency). This variant has not been reported in the literature in individuals affected with TNFRSF11A-related conditions. Advanced modeling of protein sequence and biophysical properties (such as structural, functional, and spatial information, amino acid conservation, physicochemical variation, residue mobility, and thermodynamic stability) performed at Invitae indicates that this missense variant is not expected to disrupt TNFRSF11A protein function with a negative predictive value of 80%. In summary, the available evidence is currently insufficient to determine the role of this variant in disease. Therefore, it has been classified as a Variant of Uncertain Significance.